The following is an entry in ClinVar:

NC_000005.9:g.(?_78135159)_(78135269_?)dup

Gene: ARSB (arylsulfatase B; minus strand). Cytogenetic location: 5q14.1.
Variant type: Duplication.
Identifiers: ClinVar variation 2422192 (VCV002422192.6).

ClinVar aggregate classification (germline): Likely pathogenic (1 of 4 stars; one submission).

Conditions:
Mucopolysaccharidosis type 6 (MPS6). Also called: N-ACETYLGALACTOSAMINE-4-SULFATASE DEFICIENCY; MPS 6; Maroteaux Lamy syndrome; MPS VI; ARSB DEFICIENCY; ARYLSULFATASE B DEFICIENCY. Identifiers: Orphanet 583, MedGen C0026709, MONDO:0009661, OMIM 253200.

Submission:

Labcorp Genetics (formerly Invitae), Labcorp
Classification: Likely pathogenic for Mucopolysaccharidosis type 6. Last evaluated: 2023-08-01. Review status: criteria provided, single submitter. Criteria: Invitae Variant Classification Sherloc (09022015). Collection method: clinical testing. Allele origin: germline.
Comment: In summary, the currently available evidence indicates that the variant is pathogenic, but additional data are needed to prove that conclusively. Therefore, this variant has been classified as Likely Pathogenic. This variant has not been reported in the literature in individuals affected with ARSB-related conditions. This variant results in a copy number gain of the genomic region encompassing exon(s) 6 of the ARSB gene. While the exact position of this variant cannot be determined from the data, sub-genic copy number gains are generally in tandem (PMID: 25640679). This variant is predicted to be out-of-frame, and may result in an absent or disrupted protein product. Loss-of-function variants in ARSB are known to be pathogenic (PMID: 17458871, 22133300).

Literature cited by the submitters: PubMed 25640679; PubMed 17458871; PubMed 22133300.